The following is an entry in ClinVar:

NM_017534.6(MYH2):c.5612A>G (p.Gln1871Arg)

Genes: MYHAS (myosin heavy chain gene cluster antisense RNA; plus strand), MYH2 (myosin heavy chain 2; minus strand). Cytogenetic location: 17p13.1.
Variant type: single nucleotide variant.
Coding change: c.5612A>G on transcript NM_017534.6 (MANE Select); coding-DNA position 5612, A replaced by G.
Protein change: p.Gln1871Arg; replaces glutamine 1871 with arginine.
Molecular consequence: missense variant.
Genome position (GRCh38, 1-based): chr17:10,523,151, T>C on the plus strand (A>G on the coding strand, the complement: MYH2 is on the minus strand). VCF-style: chr17-10523151-T-C. GRCh37 (hg19) VCF-style: chr17-10426468-T-C.
Other names: c.5612A>G, p.Gln1871Arg (NM_001100112.2); short protein forms Q1871R.
Identifiers: ClinVar variation 3400759 (VCV003400759.3).

ClinVar aggregate classification (germline): Uncertain significance. Review status: criteria provided, multiple submitters, no conflicts (2 of 4 stars). 2 submissions from 2 submitters: Uncertain significance (2). Last evaluated 2024-11-08.

Conditions:
Myopathy, proximal, and ophthalmoplegia (CMYO6). Also called: INCLUSION BODY MYOPATHY 3, AUTOSOMAL DOMINANT; CONGENITAL MYOPATHY 6 WITH OPHTHALMOPLEGIA; MYOPATHY WITH CONGENITAL JOINT CONTRACTURES, OPHTHALMOPLEGIA, AND RIMMED VACUOLES. Identifiers: Orphanet 363677, Orphanet 79091, MedGen C1854106, MONDO:0011577, OMIM 605637.
Inborn genetic diseases. Identifiers: MedGen C0950123, MeSH D030342.

Submissions (2):

Ambry Genetics
Classification: Uncertain significance for Inborn genetic diseases. Last evaluated: 2024-11-08. Review status: criteria provided, single submitter. Criteria: Ambry Variant Classification Scheme 2023. Collection method: clinical testing. Allele origin: germline.

Labcorp Genetics (formerly Invitae), Labcorp
Classification: Uncertain significance for Myopathy, proximal, and ophthalmoplegia. Last evaluated: 2024-04-03. Review status: criteria provided, single submitter. Criteria: Invitae Variant Classification Sherloc (09022015). Collection method: clinical testing. Allele origin: germline.
Comment: This sequence change replaces glutamine, which is neutral and polar, with arginine, which is basic and polar, at codon 1871 of the MYH2 protein (p.Gln1871Arg). This variant is present in population databases (rs535189182, gnomAD 0.007%). This variant has not been reported in the literature in individuals affected with MYH2-related conditions. Advanced modeling of protein sequence and biophysical properties (such as structural, functional, and spatial information, amino acid conservation, physicochemical variation, residue mobility, and thermodynamic stability) performed at Invitae indicates that this missense variant is not expected to disrupt MYH2 protein function with a negative predictive value of 80%. In summary, the available evidence is currently insufficient to determine the role of this variant in disease. Therefore, it has been classified as a Variant of Uncertain Significance.